The following is an entry in ClinVar:

ClinVar aggregate classification (germline): Likely benign. Review status: criteria provided, multiple submitters, no conflicts (2 of 4 stars). 2 submissions from 2 submitters: Likely benign (2). Last evaluated 2026-06-01.

Conditions:
TTC21B-related disorder. Also called: TTC21B-related condition; TTC21B-related disorders.
Jeune thoracic dystrophy. Also called: Jeune syndrome; Infantile thoracic dystrophy; Thoracic pelvic phalangeal dystrophy; Jeune's syndrome; Chondroectodermal dysplasia-like syndrome; Short-rib thoracic dysplasia. Identifiers: Orphanet 474, MedGen C0265275, MONDO:0018770.
Nephronophthisis. Also called: Juvenile Nephronophthisis. Identifiers: Orphanet 655, MedGen C0687120, MONDO:0019005, HP:0000090.

gnomAD v4.1: 1 of 1,613,250 alleles (0.000062%); highest among the groups gnomAD compares: African/African-American, 0.0013%; no homozygotes.

Submissions (2):

PreventionGenetics, part of Exact Sciences
Classification: Likely benign for TTC21B-related condition. Last evaluated: 2026-06-01. Review status: criteria provided, single submitter. Criteria: ACMG Guidelines, 2015. Collection method: clinical testing. Allele origin: germline.
Comment: This variant is classified as likely benign based on ACMG/AMP sequence variant interpretation guidelines (Richards et al. 2015 PMID: 25741868, with internal and published modifications).

Labcorp Genetics (formerly Invitae), Labcorp
Classification: Likely benign for Jeune thoracic dystrophy; Nephronophthisis. Last evaluated: 2025-08-01. Review status: criteria provided, single submitter. Criteria: Invitae Variant Classification Sherloc (09022015). Collection method: clinical testing. Allele origin: germline.

NM_024753.5(TTC21B):c.3460-6T>G

Gene: TTC21B (tetratricopeptide repeat domain 21B; minus strand). Cytogenetic location: 2q24.3.
Variant type: single nucleotide variant.
Coding change: c.3460-6T>G on transcript NM_024753.5 (MANE Select); 6 bases into the intron before coding-DNA position 3460, T replaced by G.
Molecular consequence: intron variant.
Genome position (GRCh38, 1-based): chr2:165,884,024, A>C on the plus strand (T>G on the coding strand, the complement: TTC21B is on the minus strand). VCF-style: chr2-165884024-A-C. GRCh37 (hg19) VCF-style: chr2-166740534-A-C.
Other names: c.3460-6T>G (NM_024753.4).
Identifiers: ClinVar variation 4791987 (VCV004791987.2).